The following is an entry in ClinVar:

NM_001197104.2(KMT2A):c.89C>G (p.Ala30Gly)

Gene: KMT2A (lysine methyltransferase 2A; plus strand). Cytogenetic location: 11q23.3.
Variant type: single nucleotide variant.
Coding change: c.89C>G on transcript NM_001197104.2 (MANE Select); coding-DNA position 89, C replaced by G.
Protein change: p.Ala30Gly; replaces alanine 30 with glycine.
Molecular consequence: missense variant.
Genome position (GRCh38, 1-based): chr11:118,436,601, C>G. VCF-style: chr11-118436601-C-G. GRCh37 (hg19) VCF-style: chr11-118307316-C-G.
Other names: c.89C>G, p.Ala30Gly (NM_005933.4); short protein forms A30G.
Identifiers: ClinVar variation 158711 (VCV000158711.22), dbSNP rs9332745, ClinGen allele CA172406.

ClinVar aggregate classification (germline): Benign/Likely benign. Review status: criteria provided, multiple submitters, no conflicts (2 of 4 stars). 8 submissions from 8 submitters: Benign (4); Likely benign (2). 2 of the submissions do not count toward it. Last evaluated 2026-02-03.

Allele frequency attached by ClinVar (database versions not stated): 1000 Genomes Project 0.00619; 1000 Genomes Project 30x 0.00703; ExAC 0.01250; TOPMed 0.01327; gnomAD 0.01518 and 0.01573; gnomAD exomes 0.03095.
gnomAD v4.1: 27,701 of 1,166,772 alleles (2.4%); highest among the groups gnomAD compares: Non-Finnish European, 2.7%; 397 homozygotes.

Submissions (8):

Labcorp Genetics (formerly Invitae), Labcorp
Classification: Benign. Last evaluated: 2026-02-03. Review status: criteria provided, single submitter. Criteria: Invitae Variant Classification Sherloc (09022015). Collection method: clinical testing. Allele origin: germline.

Blueprint Genetics
Classification: Benign. Last evaluated: 2024-11-27. Review status: criteria provided, single submitter. Criteria: ACMG Guidelines, 2015. Collection method: clinical testing. Allele origin: germline.

GeneDx
Classification: Benign. Last evaluated: 2019-07-24. Review status: criteria provided, single submitter. Criteria: GeneDx Variant Classification Process June 2021. Collection method: clinical testing. Allele origin: germline. Affected: yes.
Comment: This variant is associated with the following publications: (PMID: 28386644)

Center for Pediatric Genomic Medicine, Children's Mercy Hospital and Clinics
Classification: Likely benign. Last evaluated: 2017-01-24. Review status: criteria provided, single submitter. Criteria: ACMG Guidelines, 2015. Collection method: clinical testing. Allele origin: germline.
ClinVar note: Converted during submission from Likely Benign to Likely benign.

Genetic Services Laboratory, University of Chicago
Classification: Benign. Last evaluated: 2013-11-19. Review status: criteria provided, single submitter. Criteria: ACMG Guidelines, 2007. Collection method: clinical testing. Allele origin: germline. Inheritance: Autosomal dominant inheritance.

Breakthrough Genomics
Classification: Likely benign. Review status: criteria provided, single submitter. Criteria: ACMG Guidelines, 2015. Collection method: not provided. Allele origin: germline. Inheritance: Autosomal dominant inheritance. Affected: yes.

Joint Genome Diagnostic Labs from Nijmegen and Maastricht, Radboudumc and MUMC+
Classification: Benign. Review status: no assertion criteria provided. Collection method: clinical testing. Allele origin: germline. Affected: yes. Study: VKGL Data-share Consensus. Not counted in ClinVar's aggregate classification.

Laboratory of Diagnostic Genome Analysis, Leiden University Medical Center (LUMC)
Classification: Likely benign. Review status: no assertion criteria provided. Collection method: clinical testing. Allele origin: germline. Affected: yes. Study: VKGL Data-share Consensus. Not counted in ClinVar's aggregate classification.